The following is an entry in ClinVar:

ClinVar aggregate classification (germline): Uncertain significance (1 of 4 stars; one submission).

Allele frequency attached by ClinVar (database versions not stated): gnomAD exomes below 0.00001; gnomAD 0.00001; ExAC 0.00002; TOPMed 0.00004.
gnomAD v4.1: 9 of 1,613,570 alleles (0.00056%); highest among the groups gnomAD compares: Admixed American, 0.0033%; no homozygotes.

Submission:

Labcorp Genetics (formerly Invitae), Labcorp
Classification: Uncertain significance. Last evaluated: 2023-05-01. Review status: criteria provided, single submitter. Criteria: Invitae Variant Classification Sherloc (09022015). Collection method: clinical testing. Allele origin: germline.
Comment: This variant is present in population databases (rs768218587, gnomAD 0.003%). This sequence change replaces threonine, which is neutral and polar, with serine, which is neutral and polar, at codon 236 of the ADGRB2 protein (p.Thr236Ser). This variant has not been reported in the literature in individuals affected with ADGRB2-related conditions. In summary, the available evidence is currently insufficient to determine the role of this variant in disease. Therefore, it has been classified as a Variant of Uncertain Significance. An algorithm developed to predict the effect of missense changes on protein structure and function (PolyPhen-2) suggests that this variant is likely to be tolerated.

NM_001364857.2(ADGRB2):c.707C>G (p.Thr236Ser)

Gene: ADGRB2 (adhesion G protein-coupled receptor B2; minus strand). Cytogenetic location: 1p35.2.
Variant type: single nucleotide variant.
Coding change: c.707C>G on transcript NM_001364857.2 (MANE Select); coding-DNA position 707, C replaced by G.
Protein change: p.Thr236Ser; replaces threonine 236 with serine.
Molecular consequence: missense variant.
Genome position (GRCh38, 1-based): chr1:31,756,130, G>C on the plus strand (C>G on the coding strand, the complement: ADGRB2 is on the minus strand). VCF-style: chr1-31756130-G-C. GRCh37 (hg19) VCF-style: chr1-32221731-G-C.
Other names: c.707C>G, p.Thr236Ser (NM_001294335.2, NM_001294336.2, NM_001703.2); short protein forms T236S.
Identifiers: ClinVar variation 2981122 (VCV002981122.3), dbSNP rs768218587, ClinGen allele CA736095.